The following is an entry in ClinVar:

NM_005032.7(PLS3):c.1700T>G (p.Ile567Arg)

Gene: PLS3 (plastin 3; plus strand). Cytogenetic location: Xq23.
Variant type: single nucleotide variant.
Coding change: c.1700T>G on transcript NM_005032.7 (MANE Select); coding-DNA position 1700, T replaced by G.
Protein change: p.Ile567Arg; replaces isoleucine 567 with arginine.
Molecular consequence: missense variant.
Genome position (GRCh38, 1-based): chrX:115,647,957, T>G. VCF-style: chrX-115647957-T-G. GRCh37 (hg19) VCF-style: chrX-114882277-T-G.
Other names: c.1700T>G, p.Ile567Arg (NM_001136025.5); c.1619T>G, p.Ile540Arg (NM_001172335.3); c.1661T>G, p.Ile554Arg (NM_001282337.2); c.1565T>G, p.Ile522Arg (NM_001282338.2); short protein forms I522R, I540R, I554R, I567R.
Identifiers: ClinVar variation 3906364 (VCV003906364.2).

ClinVar aggregate classification (germline): Uncertain significance. Review status: criteria provided, multiple submitters, no conflicts (2 of 4 stars). 2 submissions from 2 submitters: Uncertain significance (2). Last evaluated 2025-12-24.

Submissions (2):

Labcorp Genetics (formerly Invitae), Labcorp
Classification: Uncertain significance. Last evaluated: 2025-12-24. Review status: criteria provided, single submitter. Criteria: Invitae Variant Classification Sherloc (09022015). Collection method: clinical testing. Allele origin: germline.
Comment: This sequence change replaces isoleucine, which is neutral and non-polar, with arginine, which is basic and polar, at codon 567 of the PLS3 protein (p.Ile567Arg). This variant is not present in population databases (gnomAD no frequency). This variant has not been reported in the literature in individuals affected with PLS3-related conditions. ClinVar contains an entry for this variant (Variation ID: 3906364). Invitae Evidence Modeling of protein sequence and biophysical properties (such as structural, functional, and spatial information, amino acid conservation, physicochemical variation, residue mobility, and thermodynamic stability) indicates that this missense variant is expected to disrupt PLS3 protein function with a positive predictive value of 80%. In summary, the available evidence is currently insufficient to determine the role of this variant in disease. Therefore, it has been classified as a Variant of Uncertain Significance.

GeneDx
Classification: Uncertain significance. Last evaluated: 2024-12-19. Review status: criteria provided, single submitter. Criteria: GeneDx Variant Classification Process June 2021. Collection method: clinical testing. Allele origin: germline. Affected: yes.
Comment: Not observed at significant frequency in large population cohorts (gnomAD); In silico analysis supports that this missense variant has a deleterious effect on protein structure/function; Has not been previously published as pathogenic or benign to our knowledge